The following is an entry in ClinVar:

NM_052989.3(IFT122):c.3563del (p.Pro1188fs)

Gene: IFT122 (intraflagellar transport 122; plus strand). Cytogenetic location: 3q22.1.
Variant type: Deletion.
Coding change: c.3563del on transcript NM_052989.3 (MANE Select); coding-DNA position 3563, one base deleted (C; older notation c.3563delC).
Protein change: p.Pro1188fs; shifts the reading frame from proline 1188.
Molecular consequence: frameshift variant.
Genome position (GRCh38, 1-based): chr3:129,519,659, C deleted; the last of 5 consecutive C bases (chr3:129,519,655-129,519,659); deleting any one gives the same sequence. VCF-style (leftmost placement, unchanged base first): chr3-129519654-GC-G. GRCh37 (hg19) VCF-style: chr3-129238497-GC-G.
Other names: c.3542del, p.Pro1181fs (NM_001280541.2); c.3113del, p.Pro1038fs (NM_001280545.2); c.2936del, p.Pro979fs (NM_001280546.2); c.3566delC, p.Pro1189Hisfs (NM_001410808.1); c.3509delC, p.Pro1170Hisfs (NM_001410809.1); c.3389delC, p.Pro1130Hisfs (NM_001410810.1); c.3335delC, p.Pro1112Hisfs (NM_001410811.1); c.3332delC, p.Pro1111Hisfs (NM_001410813.1); and 5 more; short protein forms P1181fs, P1129fs, P979fs, P1078fs, P1239fs, P1038fs, P1188fs.
Identifiers: ClinVar variation 2094522 (VCV002094522.4), dbSNP rs2532967754, ClinGen allele CA2580068737.

ClinVar aggregate classification (germline): Pathogenic (1 of 4 stars; one submission).

Conditions:
Cranioectodermal dysplasia 1 (CED1). Also called: LEVIN SYNDROME I. Identifiers: Orphanet 1515, MedGen C0432235, MONDO:0021093, OMIM 218330.

Submission:

Labcorp Genetics (formerly Invitae), Labcorp
Classification: Pathogenic for Cranioectodermal dysplasia 1. Last evaluated: 2022-02-08. Review status: criteria provided, single submitter. Criteria: Invitae Variant Classification Sherloc (09022015). Collection method: clinical testing. Allele origin: germline.
Comment: This sequence change creates a premature translational stop signal (p.Pro1239Hisfs*3) in the IFT122 gene. It is expected to result in an absent or disrupted protein product. Loss-of-function variants in IFT122 are known to be pathogenic (PMID: 20493458, 23826986, 26792575). This variant is not present in population databases (gnomAD no frequency). This variant has not been reported in the literature in individuals affected with IFT122-related conditions. For these reasons, this variant has been classified as Pathogenic.

Literature cited by the submitters: PubMed 20493458; PubMed 23826986; PubMed 26792575.